The following is an entry in ClinVar:

ClinVar aggregate classification (germline): Pathogenic. Review status: criteria provided, multiple submitters, no conflicts (2 of 4 stars). 2 submissions from 2 submitters: Pathogenic (2). Last evaluated 2023-05-22.

Conditions:
Familial cancer of breast. Also called: Hereditary breast cancer; hereditary breast carcinoma; BREAST CANCER, FAMILIAL. Identifiers: Orphanet 227535, MedGen C0346153, MONDO:0016419, OMIM 114480. Disease mechanism: loss of function.

Submissions (2):

Myriad Genetics, Inc.
Classification: Pathogenic for Familial cancer of breast. Last evaluated: 2023-05-22. Review status: criteria provided, single submitter. Criteria: Myriad Autosomal Dominant, Autosomal Recessive and X-Linked Classification Criteria (2023). Collection method: clinical testing. Allele origin: unknown.
Comment: This variant is considered pathogenic. This variant creates a frameshift predicted to result in premature protein truncation.

Labcorp Genetics (formerly Invitae), Labcorp
Classification: Pathogenic for Familial cancer of breast. Last evaluated: 2018-11-17. Review status: criteria provided, single submitter. Criteria: Invitae Variant Classification Sherloc (09022015). Collection method: clinical testing. Allele origin: germline.
Comment: This sequence change creates a premature translational stop signal (p.Ser436Leufs*38) in the BARD1 gene. It is expected to result in an absent or disrupted protein product. This variant is not present in population databases (ExAC no frequency). This variant has not been reported in the literature in individuals with BARD1-related disease. Loss-of-function variants in BARD1 are known to be pathogenic (PMID: 20077502, 21344236). For these reasons, this variant has been classified as Pathogenic.

Literature cited by the submitters: PubMed 20077502 (cited by Labcorp Genetics (formerly Invitae), Labcorp); PubMed 21344236 (cited by Labcorp Genetics (formerly Invitae), Labcorp).

NM_000465.4(BARD1):c.1307_1310del (p.Ser436fs)

Gene: BARD1 (BRCA1 associated RING domain 1; minus strand). Cytogenetic location: 2q35.
Variant type: Deletion.
Coding change: c.1307_1310del on transcript NM_000465.4 (MANE Select); coding-DNA positions 1307 to 1310, 4 bases deleted (CTAT; older notation c.1307_1310delCTAT).
Protein change: p.Ser436fs; shifts the reading frame from serine 436.
Molecular consequence: frameshift variant. On other transcripts: non-coding transcript variant (2), intron variant (3).
Genome position (GRCh38, 1-based): chr2:214,780,564-214,780,567, ATAG deleted on the plus strand (CTAT on the coding strand, the reverse complement: BARD1 is on the minus strand); deleting any 4 consecutive bases within chr2:214,780,564-214,780,568 gives the same sequence; the c. name uses the placement nearest the transcript's 3' end. VCF-style (leftmost placement, unchanged base first): chr2-214780563-AATAG-A. GRCh37 (hg19) VCF-style: chr2-215645287-AATAG-A.
Other names: c.1250_1253del, p.Ser417fs (NM_001282543.2); c.159-28012_159-28009del (NM_001282548.2); c.215+16494_215+16497del (NM_001282545.2); c.364+11730_364+11733del (NM_001282549.2); short protein forms S436fs, S417fs.
Identifiers: ClinVar variation 658388 (VCV000658388.9), dbSNP rs1574815812, ClinGen allele CA915941685.